The following is an entry in ClinVar:

NM_000180.4(GUCY2D):c.1851G>A (p.Val617=)

Gene: GUCY2D (guanylate cyclase 2D, retinal; plus strand). Cytogenetic location: 17p13.1.
Variant type: single nucleotide variant.
Coding change: c.1851G>A on transcript NM_000180.4 (MANE Select); coding-DNA position 1851, G replaced by A.
Protein change: p.Val617=; no amino-acid change (valine 617 retained).
Molecular consequence: synonymous variant.
Genome position (GRCh38, 1-based): chr17:8,012,245, G>A. VCF-style: chr17-8012245-G-A. GRCh37 (hg19) VCF-style: chr17-7915563-G-A.
Other names: c.1851G>A (NM_000180.3).
Identifiers: ClinVar variation 498473 (VCV000498473.16), dbSNP rs754581545, ClinGen allele CA8365916.

ClinVar aggregate classification (germline): Conflicting classifications of pathogenicity. Review status: criteria provided, conflicting classifications (1 of 4 stars). 4 submissions from 4 submitters: Uncertain significance (1); Likely benign (2). 1 of the submissions does not count toward it. Last evaluated 2024-05-01.

Conditions:
GUCY2D-related disorder. Also called: GUCY2D-related condition.
Cone-rod dystrophy 6 (CORD6). Also called: Cone dystrophy progressive; RETINAL CONE DYSTROPHY 2. Identifiers: Orphanet 1872, MedGen C1866293, MONDO:0011143, OMIM 601777.
Leber congenital amaurosis 1 (LCA1). Also called: AMAUROSIS CONGENITA OF LEBER I; Congenital absence of the rods and cones; Leber's congenital tapetoretinal degeneration; Leber's congenital tapetoretinal dysplasia; RETINAL BLINDNESS, CONGENITAL. Identifiers: Orphanet 65, MedGen C2931258, MONDO:0008764, OMIM 204000.

Allele frequency attached by ClinVar (database versions not stated): ExAC 0.00001; gnomAD 0.00001; gnomAD exomes 0.00001 and 0.00002; TOPMed 0.00001.
gnomAD v4.1: 21 of 1,613,826 alleles (0.0013%); highest among the groups gnomAD compares: African/African-American, 0.0027%; no homozygotes.

Submissions (4):

Labcorp Genetics (formerly Invitae), Labcorp
Classification: Likely benign for Leber congenital amaurosis 1; Cone-rod dystrophy 6. Last evaluated: 2024-05-01. Review status: criteria provided, single submitter. Criteria: Invitae Variant Classification Sherloc (09022015). Collection method: clinical testing. Allele origin: germline.

Blueprint Genetics
Classification: Likely benign. Last evaluated: 2021-11-03. Review status: criteria provided, single submitter. Criteria: ACMG Guidelines, 2015. Collection method: clinical testing. Allele origin: germline.

Eurofins Ntd Llc (ga)
Classification: Uncertain significance. Last evaluated: 2016-12-15. Review status: criteria provided, single submitter. Criteria: EGL Classification Definitions 2015. Collection method: clinical testing. Allele origin: germline. Observed: 1 variant allele, 1 heterozygote.

PreventionGenetics, part of Exact Sciences
Classification: Likely benign for GUCY2D-related condition. Last evaluated: 2021-03-09. Review status: no assertion criteria provided. Collection method: clinical testing. Allele origin: germline. Not counted in ClinVar's aggregate classification.
Comment: This variant is classified as likely benign based on ACMG/AMP sequence variant interpretation guidelines (Richards et al. 2015 PMID: 25741868, with internal and published modifications).